The following is an entry in ClinVar:

ClinVar aggregate classification (germline): Uncertain significance (1 of 4 stars; one submission).

Allele frequency attached by ClinVar (database versions not stated): gnomAD exomes below 0.00001; gnomAD 0.00002.
gnomAD v4.1: 5 of 1,609,122 alleles (0.00031%); highest among the groups gnomAD compares: African/African-American, 0.0027%; no homozygotes.

Submission:

Labcorp Genetics (formerly Invitae), Labcorp
Classification: Uncertain significance. Last evaluated: 2022-12-22. Review status: criteria provided, single submitter. Criteria: Invitae Variant Classification Sherloc (09022015). Collection method: clinical testing. Allele origin: germline.
Comment: In summary, the available evidence is currently insufficient to determine the role of this variant in disease. Therefore, it has been classified as a Variant of Uncertain Significance. Algorithms developed to predict the effect of missense changes on protein structure and function output the following: SIFT: "Tolerated"; PolyPhen-2: "Benign"; Align-GVGD: "Class C0". The alanine amino acid residue is found in multiple mammalian species, which suggests that this missense change does not adversely affect protein function. This variant has not been reported in the literature in individuals affected with ANLN-related conditions. The frequency data for this variant in the population databases is considered unreliable, as metrics indicate poor data quality at this position in the gnomAD database. This sequence change replaces threonine, which is neutral and polar, with alanine, which is neutral and non-polar, at codon 294 of the ANLN protein (p.Thr294Ala).

NM_018685.5(ANLN):c.880A>G (p.Thr294Ala)

Gene: ANLN (anillin, actin binding protein; plus strand). Cytogenetic location: 7p14.2.
Variant type: single nucleotide variant.
Coding change: c.880A>G on transcript NM_018685.5 (MANE Select); coding-DNA position 880, A replaced by G.
Protein change: p.Thr294Ala; replaces threonine 294 with alanine.
Molecular consequence: missense variant.
Genome position (GRCh38, 1-based): chr7:36,407,740, A>G. VCF-style: chr7-36407740-A-G. GRCh37 (hg19) VCF-style: chr7-36447349-A-G.
Other names: c.880A>G, p.Thr294Ala (NM_001284301.3, NM_001284302.3); short protein forms T294A.
Identifiers: ClinVar variation 3019572 (VCV003019572.3), dbSNP rs1562792127, ClinGen allele CA367207927.